The following is an entry in ClinVar:

NM_001267550.2(TTN):c.97374G>T (p.Thr32458=)

Genes: TTN (titin; minus strand), TTN-AS1 (TTN antisense RNA 1; plus strand). Cytogenetic location: 2q31.2.
Variant type: single nucleotide variant.
Coding change: c.97374G>T on transcript NM_001267550.2 (MANE Select); coding-DNA position 97374, G replaced by T.
Protein change: p.Thr32458=; no amino-acid change (threonine 32458 retained).
Molecular consequence: synonymous variant.
Genome position (GRCh38, 1-based): chr2:178,542,382, C>A on the plus strand (G>T on the coding strand, the complement: TTN is on the minus strand). VCF-style: chr2-178542382-C-A. GRCh37 (hg19) VCF-style: chr2-179407109-C-A.
Other names: c.92451G>T, p.Thr30817= (NM_001256850.1); c.70179G>T, p.Thr23393= (NM_003319.4); c.89670G>T, p.Thr29890= (NM_133378.4); c.70554G>T, p.Thr23518= (NM_133432.3); c.70755G>T, p.Thr23585= (NM_133437.4).
Identifiers: ClinVar variation 1879494 (VCV001879494.29), dbSNP rs878887772, ClinGen allele CA430100787.

ClinVar aggregate classification (germline): Likely benign (1 of 4 stars; one submission).

gnomAD v4.1: 4 of 1,613,594 alleles (0.00025%); highest among the groups gnomAD compares: Non-Finnish European, 0.00025%; no homozygotes.

Submission:

CeGaT Center for Human Genetics Tuebingen
Classification: Likely benign. Last evaluated: 2025-09-01. Review status: criteria provided, single submitter. Criteria: CeGaT Center For Human Genetics Tuebingen Variant Classification Criteria Version 2. Collection method: clinical testing. Allele origin: germline. Affected: yes. Observed: 2 variant alleles.
Comment: TTN: BP4, BP7